The following is an entry in ClinVar:

NM_000094.4(COL7A1):c.1460T>G (p.Leu487Arg)

Gene: COL7A1 (collagen type VII alpha 1 chain; minus strand). Cytogenetic location: 3p21.31.
Variant type: single nucleotide variant.
Coding change: c.1460T>G on transcript NM_000094.4 (MANE Select); coding-DNA position 1460, T replaced by G.
Protein change: p.Leu487Arg; replaces leucine 487 with arginine.
Molecular consequence: missense variant.
Genome position (GRCh38, 1-based): chr3:48,591,720, A>C on the plus strand (T>G on the coding strand, the complement: COL7A1 is on the minus strand). VCF-style: chr3-48591720-A-C. GRCh37 (hg19) VCF-style: chr3-48629153-A-C.
Other names: short protein forms L487R.
Identifiers: ClinVar variation 2118554 (VCV002118554.2), dbSNP rs2045714432, ClinGen allele CA352734127.

ClinVar aggregate classification (germline): Uncertain significance. Review status: criteria provided, multiple submitters, no conflicts (2 of 4 stars). 2 submissions from 2 submitters: Uncertain significance (2). Last evaluated 2025-08-30.

Conditions:
Inborn genetic diseases. Identifiers: MedGen C0950123, MeSH D030342.

Allele frequency attached by ClinVar (database versions not stated): gnomAD exomes below 0.00001.
gnomAD v4.1: 1 of 1,614,164 alleles (0.000062%); highest among the groups gnomAD compares: African/African-American, 0.0013%; no homozygotes.

Submissions (2):

Ambry Genetics
Classification: Uncertain significance for Inborn genetic diseases. Last evaluated: 2025-08-30. Review status: criteria provided, single submitter. Criteria: Ambry Variant Classification Scheme 2023. Collection method: clinical testing. Allele origin: germline.

Labcorp Genetics (formerly Invitae), Labcorp
Classification: Uncertain significance. Last evaluated: 2022-06-25. Review status: criteria provided, single submitter. Criteria: Invitae Variant Classification Sherloc (09022015). Collection method: clinical testing. Allele origin: germline.
Comment: This sequence change replaces leucine, which is neutral and non-polar, with arginine, which is basic and polar, at codon 487 of the COL7A1 protein (p.Leu487Arg). This variant is not present in population databases (gnomAD no frequency). This variant has not been reported in the literature in individuals affected with COL7A1-related conditions. Algorithms developed to predict the effect of missense changes on protein structure and function are either unavailable or do not agree on the potential impact of this missense change (SIFT: "Deleterious"; PolyPhen-2: "Not Available"; Align-GVGD: "Class C0"). In summary, the available evidence is currently insufficient to determine the role of this variant in disease. Therefore, it has been classified as a Variant of Uncertain Significance.